The following is an entry in ClinVar:

NM_173598.6(KSR2):c.2205G>T (p.Leu735=)

Gene: KSR2 (kinase suppressor of ras 2; minus strand). Cytogenetic location: 12q24.22.
Variant type: single nucleotide variant.
Coding change: c.2205G>T on transcript NM_173598.6 (MANE Select); coding-DNA position 2205, G replaced by T.
Protein change: p.Leu735=; no amino-acid change (leucine 735 retained).
Molecular consequence: synonymous variant.
Genome position (GRCh38, 1-based): chr12:117,524,866, C>A on the plus strand (G>T on the coding strand, the complement: KSR2 is on the minus strand). VCF-style: chr12-117524866-C-A. GRCh37 (hg19) VCF-style: chr12-117962671-C-A.
Identifiers: ClinVar variation 4981996 (VCV004981996.1).

ClinVar aggregate classification (germline): Likely benign (1 of 4 stars; one submission).

Conditions:
KSR2-related disorder. Also called: KSR2-related condition.

Submission:

PreventionGenetics, part of Exact Sciences
Classification: Likely benign for KSR2-related condition. Last evaluated: 2025-11-11. Review status: criteria provided, single submitter. Criteria: ACMG Guidelines, 2015. Collection method: clinical testing. Allele origin: germline.
Comment: This variant is classified as likely benign based on ACMG/AMP sequence variant interpretation guidelines (Richards et al. 2015 PMID: 25741868, with internal and published modifications).